The following is an entry in ClinVar:

NM_001034850.3(RETREG1):c.805T>A (p.Ser269Thr)

Gene: RETREG1 (reticulophagy regulator 1; minus strand). Cytogenetic location: 5p15.1.
Variant type: single nucleotide variant.
Coding change: c.805T>A on transcript NM_001034850.3 (MANE Select); coding-DNA position 805, T replaced by A.
Protein change: p.Ser269Thr; replaces serine 269 with threonine.
Molecular consequence: missense variant.
Genome position (GRCh38, 1-based): chr5:16,478,853, A>T on the plus strand (T>A on the coding strand, the complement: RETREG1 is on the minus strand). VCF-style: chr5-16478853-A-T. GRCh37 (hg19) VCF-style: chr5-16478962-A-T.
Other names: c.382T>A, p.Ser128Thr (NM_019000.5); short protein forms S128T, S269T.
Identifiers: ClinVar variation 1972627 (VCV001972627.5), dbSNP rs200587445, ClinGen allele CA3210344.

ClinVar aggregate classification (germline): Uncertain significance (1 of 4 stars; one submission).

Allele frequency attached by ClinVar (database versions not stated): gnomAD exomes 0.00001; ExAC 0.00002; gnomAD 0.00008; 1000 Genomes Project 0.00020; 1000 Genomes Project 30x 0.00031.
gnomAD v4.1: 20 of 1,611,718 alleles (0.0012%); highest among the groups gnomAD compares: African/African-American, 0.02%; no homozygotes.

Submission:

Labcorp Genetics (formerly Invitae), Labcorp
Classification: Uncertain significance. Last evaluated: 2022-07-15. Review status: criteria provided, single submitter. Criteria: Invitae Variant Classification Sherloc (09022015). Collection method: clinical testing. Allele origin: germline.
Comment: This sequence change replaces serine, which is neutral and polar, with threonine, which is neutral and polar, at codon 269 of the RETREG1 protein (p.Ser269Thr). In summary, the available evidence is currently insufficient to determine the role of this variant in disease. Therefore, it has been classified as a Variant of Uncertain Significance. Algorithms developed to predict the effect of missense changes on protein structure and function (SIFT, PolyPhen-2, Align-GVGD) all suggest that this variant is likely to be tolerated. This variant has not been reported in the literature in individuals affected with RETREG1-related conditions. This variant is present in population databases (rs200587445, gnomAD 0.01%).